The following is an entry in ClinVar:

ClinVar aggregate classification (germline): Uncertain significance (1 of 4 stars; one submission).

Allele frequency attached by ClinVar (database versions not stated): gnomAD exomes 0.00001.
gnomAD v4.1: 13 of 1,613,878 alleles (0.00081%); highest among the groups gnomAD compares: Admixed American, 0.0017%; no homozygotes.

Submission:

Labcorp Genetics (formerly Invitae), Labcorp
Classification: Uncertain significance. Last evaluated: 2023-12-11. Review status: criteria provided, single submitter. Criteria: Invitae Variant Classification Sherloc (09022015). Collection method: clinical testing. Allele origin: germline.
Comment: This sequence change replaces histidine, which is basic and polar, with tyrosine, which is neutral and polar, at codon 490 of the ADGRV1 protein (p.His490Tyr). This variant is not present in population databases (gnomAD no frequency). This variant has not been reported in the literature in individuals affected with ADGRV1-related conditions. ClinVar contains an entry for this variant (Variation ID: 1505561). Advanced modeling of protein sequence and biophysical properties (such as structural, functional, and spatial information, amino acid conservation, physicochemical variation, residue mobility, and thermodynamic stability) performed at Invitae indicates that this missense variant is not expected to disrupt ADGRV1 protein function with a negative predictive value of 95%. In summary, the available evidence is currently insufficient to determine the role of this variant in disease. Therefore, it has been classified as a Variant of Uncertain Significance.

NM_032119.4(ADGRV1):c.1468C>T (p.His490Tyr)

Gene: ADGRV1 (adhesion G protein-coupled receptor V1; plus strand). Cytogenetic location: 5q14.3.
Variant type: single nucleotide variant.
Coding change: c.1468C>T on transcript NM_032119.4 (MANE Select); coding-DNA position 1468, C replaced by T.
Protein change: p.His490Tyr; replaces histidine 490 with tyrosine.
Molecular consequence: missense variant. On other transcripts: non-coding transcript variant (1).
Genome position (GRCh38, 1-based): chr5:90,628,791, C>T. VCF-style: chr5-90628791-C-T. GRCh37 (hg19) VCF-style: chr5-89924608-C-T.
Other names: short protein forms H490Y.
Identifiers: ClinVar variation 1505561 (VCV001505561.6), dbSNP rs1765127239, ClinGen allele CA360372730.